The following is an entry in ClinVar:

NM_001159699.2(FHL1):c.406_409dup (p.Val137fs)

Gene: FHL1 (four and a half LIM domains 1; plus strand). Cytogenetic location: Xq26.3.
Variant type: Duplication.
Coding change: c.406_409dup on transcript NM_001159699.2 (MANE Select); coding-DNA positions 406 to 409, 4 bases duplicated (ACCG; older notation c.406_409dupACCG).
Protein change: p.Val137fs; shifts the reading frame from valine 137.
Molecular consequence: frameshift variant. On other transcripts: non-coding transcript variant (1).
Genome position (GRCh38, 1-based): chrX:136,207,818-136,207,821, ACCG duplicated; duplicating any 4 consecutive bases within chrX:136,207,817-136,207,821 gives the same sequence; the c. name uses the placement nearest the transcript's 3' end. VCF-style (leftmost placement, unchanged base first): chrX-136207816-G-GGACC. GRCh37 (hg19) VCF-style: chrX-135289975-G-GGACC.
Other names: c.358_361dupACCG (NM_001449.4); c.358_361dup, p.Val121fs (NM_001159700.2, NM_001159702.3, NM_001159703.2 and 9 more transcripts); c.445_448dup, p.Val150fs (NM_001159701.2); c.406_409dup, p.Val137fs (NM_001330659.2); short protein forms V150fs, V121fs, V137fs.
Identifiers: ClinVar variation 569904 (VCV000569904.8), dbSNP rs1569530437, ClinGen allele CA891844504.

ClinVar aggregate classification (germline): Pathogenic. Review status: criteria provided, multiple submitters, no conflicts (2 of 4 stars). 2 submissions from 2 submitters: Pathogenic (2). Last evaluated 2022-07-06.

Conditions:
X-linked myopathy with postural muscle atrophy. Also called: FHL1-Related Emery-Dreifuss Muscular Dystrophy, X-Linked. Identifiers: Orphanet 178461, MedGen C2678055, MONDO:0010401, OMIM 300696.

Submissions (2):

Labcorp Genetics (formerly Invitae), Labcorp
Classification: Pathogenic for X-linked myopathy with postural muscle atrophy. Last evaluated: 2022-07-06. Review status: criteria provided, single submitter. Criteria: Invitae Variant Classification Sherloc (09022015). Collection method: clinical testing. Allele origin: germline.
Comment: This variant is not present in population databases (gnomAD no frequency). This sequence change creates a premature translational stop signal (p.Val121Aspfs*11) in the FHL1 gene. It is expected to result in an absent or disrupted protein product. Loss-of-function variants in FHL1 are known to be pathogenic (PMID: 18179888, 19687455, 19716112, 22523091, 24114807). This variant has not been reported in the literature in individuals affected with FHL1-related conditions. ClinVar contains an entry for this variant (Variation ID: 569904). For these reasons, this variant has been classified as Pathogenic.

Athena Diagnostics
Classification: Pathogenic. Last evaluated: 2020-06-25. Review status: criteria provided, single submitter. Criteria: Athena Diagnostics Criteria. Collection method: clinical testing. Allele origin: unknown.
Comment: The variant results in a shift of the reading frame, and is therefore predicted to result in the loss of a functional protein. Found in at least one patient with expected phenotype for this gene, and not found in general population data.

Literature cited by the submitters: PubMed 18179888 (cited by Labcorp Genetics (formerly Invitae), Labcorp); PubMed 19687455 (cited by Labcorp Genetics (formerly Invitae), Labcorp); PubMed 19716112 (cited by Labcorp Genetics (formerly Invitae), Labcorp); PubMed 22523091 (cited by Labcorp Genetics (formerly Invitae), Labcorp); PubMed 24114807 (cited by Labcorp Genetics (formerly Invitae), Labcorp).